The following is an entry in ClinVar:

ClinVar aggregate classification (germline): Uncertain significance (1 of 4 stars; one submission).

Conditions:
Midface hypoplasia, hearing impairment, elliptocytosis, and nephrocalcinosis (MFHIEN). Identifiers: Orphanet 688581, MedGen C4310810, MONDO:0010516, OMIM 300990.

Submission:

Molecular Genetics, Royal Melbourne Hospital
Classification: Uncertain significance for Midface hypoplasia, hearing impairment, elliptocytosis, and nephrocalcinosis. Last evaluated: 2020-11-20. Review status: criteria provided, single submitter. Criteria: ACMG Guidelines, 2015. Collection method: clinical testing. Allele origin: germline.
Comment: This sequence change is predicted to replace Histidine with Tyrosine at codon 267 of the AMMECR1 protein (p.(His267Tyr)). The Histidine residue is very highly conserved (100 vertebrates, UCSC), and is not in any annotated domain. There is a moderate physicochemical difference between Histidine and Tyrosine. The variant is absent from a large population cohort (PM2, gnomAD v2.1.1 and v3). This variant has not been previously reported. Multiple lines of computational evidence predict a deleterious effect for the missense substitution (PP3, 5/5 algorithms). A variant at same residue (p.(His267Arg)) is present in gnomAD with a frequency of one heterozygote (gnomAD v2.1.1), and has not been otherwise reported. Based on the classification guideline RMH ACMG Guidelines v1.2.1, this variant is classified as a VARIANT OF UNCERTAIN SIGNIFICANCE. The following criteria are met: PM2, PP3.

NM_015365.3(AMMECR1):c.799C>T (p.His267Tyr)

Gene: AMMECR1 (AMMECR nuclear protein 1; minus strand). Cytogenetic location: Xq23.
Variant type: single nucleotide variant.
Coding change: c.799C>T on transcript NM_015365.3 (MANE Select); coding-DNA position 799, C replaced by T.
Protein change: p.His267Tyr; replaces histidine 267 with tyrosine.
Molecular consequence: missense variant.
Genome position (GRCh38, 1-based): chrX:110,201,042, G>A on the plus strand (C>T on the coding strand, the complement: AMMECR1 is on the minus strand). VCF-style: chrX-110201042-G-A. GRCh37 (hg19) VCF-style: chrX-109444270-G-A.
Other names: c.688C>T, p.His230Tyr (NM_001025580.2); c.430C>T, p.His144Tyr (NM_001171689.2); short protein forms H144Y, H230Y, H267Y.
Identifiers: ClinVar variation 1678616 (VCV001678616.2), dbSNP rs2148162285, ClinGen allele CA414222177.